The following is an entry in ClinVar:

ClinVar aggregate classification (germline): Uncertain significance. Review status: criteria provided, multiple submitters, no conflicts (2 of 4 stars). 2 submissions from 2 submitters: Uncertain significance (2). Last evaluated 2024-12-16.

gnomAD v4.1: 76 of 1,613,352 alleles (0.0047%); highest among the groups gnomAD compares: African/African-American, 0.012%; no homozygotes.

Submissions (2):

Ambry Genetics
Classification: Uncertain significance. Last evaluated: 2024-12-16. Review status: criteria provided, single submitter. Criteria: Ambry Variant Classification Scheme 2023. Collection method: clinical testing. Allele origin: germline.

CeGaT Center for Human Genetics Tuebingen
Classification: Uncertain significance. Last evaluated: 2024-07-01. Review status: criteria provided, single submitter. Criteria: CeGaT Center For Human Genetics Tuebingen Variant Classification Criteria Version 2. Collection method: clinical testing. Allele origin: germline. Affected: yes. Observed: 1 variant allele.
Comment: FAT2: PM2:Supporting, BP4

NM_001447.3(FAT2):c.2467G>A (p.Gly823Ser)

Gene: FAT2 (FAT atypical cadherin 2; minus strand). Cytogenetic location: 5q33.1.
Variant type: single nucleotide variant.
Coding change: c.2467G>A on transcript NM_001447.3 (MANE Select); coding-DNA position 2467, G replaced by A.
Protein change: p.Gly823Ser; replaces glycine 823 with serine.
Molecular consequence: missense variant.
Genome position (GRCh38, 1-based): chr5:151,566,465, C>T on the plus strand (G>A on the coding strand, the complement: FAT2 is on the minus strand). VCF-style: chr5-151566465-C-T. GRCh37 (hg19) VCF-style: chr5-150946026-C-T.
Other names: c.2467G>A (NM_001447.2); short protein forms G823S.
Identifiers: ClinVar variation 3257046 (VCV003257046.18).